The following is an entry in ClinVar:

ClinVar aggregate classification (germline): Uncertain significance (1 of 4 stars; one submission).

Conditions:
MHC class II deficiency. Also called: Bare lymphocyte syndrome 2; BLS, TYPE II. Identifiers: Orphanet 572, MedGen C5447452, MONDO:0008855.

Allele frequency attached by ClinVar (database versions not stated): gnomAD 0.00001; TOPMed 0.00001.
gnomAD v4.1: 16 of 1,611,948 alleles (0.00099%); highest among the groups gnomAD compares: African/African-American, 0.0053%; no homozygotes.

Submission:

Labcorp Genetics (formerly Invitae), Labcorp
Classification: Uncertain significance for MHC class II deficiency. Last evaluated: 2024-11-04. Review status: criteria provided, single submitter. Criteria: Invitae Variant Classification Sherloc (09022015). Collection method: clinical testing. Allele origin: germline.
Comment: This sequence change replaces arginine, which is basic and polar, with cysteine, which is neutral and slightly polar, at codon 343 of the CIITA protein (p.Arg343Cys). This variant is present in population databases (no rsID available, gnomAD 0.003%). This variant has not been reported in the literature in individuals affected with CIITA-related conditions. ClinVar contains an entry for this variant (Variation ID: 2166008). An algorithm developed to predict the effect of missense changes on protein structure and function outputs the following: PolyPhen-2: "Benign". The cysteine amino acid residue is found in multiple mammalian species, which suggests that this missense change does not adversely affect protein function. In summary, the available evidence is currently insufficient to determine the role of this variant in disease. Therefore, it has been classified as a Variant of Uncertain Significance.

NM_000246.4(CIITA):c.1027C>T (p.Arg343Cys)

Gene: CIITA (class II major histocompatibility complex transactivator; plus strand). Cytogenetic location: 16p13.13.
Variant type: single nucleotide variant.
Coding change: c.1027C>T on transcript NM_000246.4 (MANE Select); coding-DNA position 1027, C replaced by T.
Protein change: p.Arg343Cys; replaces arginine 343 with cysteine.
Molecular consequence: missense variant. On other transcripts: intron variant (1).
Genome position (GRCh38, 1-based): chr16:10,906,519, C>T. VCF-style: chr16-10906519-C-T. GRCh37 (hg19) VCF-style: chr16-11000376-C-T.
Other names: c.1030C>T, p.Arg344Cys (NM_001286402.1, NM_001379332.1); c.883C>T, p.Arg295Cys (NM_001379330.1); c.880C>T, p.Arg294Cys (NM_001379331.1); c.1027C>T, p.Arg343Cys (NM_001379333.1); c.958C>T, p.Arg320Cys (NM_001379334.1); c.859+1707C>T (NM_001286403.2); short protein forms R294C, R344C, R295C, R320C, R343C.
Identifiers: ClinVar variation 2166008 (VCV002166008.2), dbSNP rs1257042433, ClinGen allele CA394729630.